The following is an entry in ClinVar:

NC_000016.10:g.89810928CT[2]

Gene: FANCA (FA complementation group A; minus strand). Cytogenetic location: 16q24.3.
Variant type: Microsatellite.
Genome position: GRCh38 VCF-style: chr16-89810927-ACT-A. GRCh37 (hg19) VCF-style: chr16-89877335-ACT-A.
Identifiers: ClinVar variation 5003655 (VCV005003655.1).
Genomic context (GRCh38, chr16:89,810,927, plus strand): 5'-ATTTTCCCAACCAGCTTAAAAGTAACAACGGGCAGGTTTCCTCATCTTTGCTGGTGTCTT[ACT>A]CTCTGCTCCACAGTCAGCAGCACAGGGTGACTGGTCTCCGCTGGAGCCGTGCAGATCTGT-3'

ClinVar aggregate classification (germline): Likely pathogenic (1 of 4 stars; one submission).

Conditions:
Fanconi anemia complementation group A (FANCA). Also called: Fanconi anemia, group A; FANCA-Related Fanconi Anemia. Identifiers: Orphanet 84, MedGen C3469521, MONDO:0009215, OMIM 227650.

Submission:

Myriad Genetics, Inc.
Classification: Likely pathogenic for Fanconi anemia complementation group A. Last evaluated: 2026-02-25. Review status: criteria provided, single submitter. Criteria: Myriad Autosomal Dominant, Autosomal Recessive and X-Linked Classification Criteria (2023). Collection method: clinical testing. Allele origin: unknown.
Comment: NM_000135.2(FANCA):c.426_426+1delAG is a variant in a canonical splice site classified as likely pathogenic in the context of Fanconi anemia complementation group A. c.426_426+1delAG has been observed in a case with relevant disease (PMID: 36894310). Relevant functional assessments of this variant are not available in the literature. c.426_426+1delAG has been observed in referenced population frequency databases. In summary, NM_000135.2(FANCA):c.426_426+1delAG is a variant in a canonical splice site in a gene where loss of function is a known mechanism of disease, is predicted to disrupt protein function, and has been observed more frequently in cases with the relevant disease than in healthy populations. Please note: this variant was assessed in the context of healthy population screening.

Literature cited by the submitters: PubMed 36894310.